The following is an entry in ClinVar:

ClinVar aggregate classification (germline): Uncertain significance (1 of 4 stars; one submission).

Submission:

GeneDx
Classification: Uncertain significance. Last evaluated: 2022-09-13. Review status: criteria provided, single submitter. Criteria: GeneDx Variant Classification Process June 2021. Collection method: clinical testing. Allele origin: germline. Affected: yes.
Comment: Not observed at significant frequency in large population cohorts (gnomAD); In silico analysis supports that this missense variant does not alter protein structure/function; Has not been previously published as pathogenic or benign to our knowledge

NM_000214.3(JAG1):c.262G>A (p.Ala88Thr)

Gene: JAG1 (jagged canonical Notch ligand 1; minus strand). Cytogenetic location: 20p12.2.
Variant type: single nucleotide variant.
Coding change: c.262G>A on transcript NM_000214.3 (MANE Select); coding-DNA position 262, G replaced by A.
Protein change: p.Ala88Thr; replaces alanine 88 with threonine.
Molecular consequence: missense variant.
Genome position (GRCh38, 1-based): chr20:10,672,826, C>T on the plus strand (G>A on the coding strand, the complement: JAG1 is on the minus strand). VCF-style: chr20-10672826-C-T. GRCh37 (hg19) VCF-style: chr20-10653474-C-T.
Other names: short protein forms A88T.
Identifiers: ClinVar variation 2443442 (VCV002443442.1), dbSNP rs1368255658, ClinGen allele CA408242996.
Genomic context (GRCh38, chr20:10,672,826, plus strand): 5'-TGAAGGTGTTGCCCCCGATGACAGGCGTGGACCCTGAGCCGAAGCTGCAGGGCCCCCCGG[C>T]CGTGACGCGGGACTGATACTCCTTGAGGCACACTTTGAAGTATGTGTCACACTCGTCGCG-3'
Protein context (NP_000205.1, residues 78-98): CLKEYQSRVT[Ala88Thr]GGPCSFGSGS